The following is an entry in ClinVar:

ClinVar aggregate classification (germline): Uncertain significance (1 of 4 stars; one submission).

Submission:

Ambry Genetics
Classification: Uncertain significance. Last evaluated: 2024-07-18. Review status: criteria provided, single submitter. Criteria: Ambry Variant Classification Scheme 2023. Collection method: clinical testing. Allele origin: germline.
Comment: The p.T1018I variant (also known as c.3053C>T), located in coding exon 16 of the POLQ gene, results from a C to T substitution at nucleotide position 3053. The threonine at codon 1018 is replaced by isoleucine, an amino acid with similar properties. This amino acid position is conserved. In addition, this alteration is predicted to be tolerated by in silico analysis. Based on the available evidence, the clinical significance of this variant remains unclear.

NM_199420.4(POLQ):c.3053C>T (p.Thr1018Ile)

Gene: POLQ (DNA polymerase theta; minus strand). Cytogenetic location: 3q13.33.
Variant type: single nucleotide variant.
Coding change: c.3053C>T on transcript NM_199420.4 (MANE Select); coding-DNA position 3053, C replaced by T.
Protein change: p.Thr1018Ile; replaces threonine 1018 with isoleucine.
Molecular consequence: missense variant.
Genome position (GRCh38, 1-based): chr3:121,489,878, G>A on the plus strand (C>T on the coding strand, the complement: POLQ is on the minus strand). VCF-style: chr3-121489878-G-A. GRCh37 (hg19) VCF-style: chr3-121208725-G-A.
Other names: short protein forms T1018I.
Identifiers: ClinVar variation 3422460 (VCV003422460.1).